The following is an entry in ClinVar:

NM_006767.4(LZTR1):c.706T>G (p.Cys236Gly)

Gene: LZTR1 (leucine zipper like post translational regulator 1; plus strand). Cytogenetic location: 22q11.21.
Variant type: single nucleotide variant.
Coding change: c.706T>G on transcript NM_006767.4 (MANE Select); coding-DNA position 706, T replaced by G.
Protein change: p.Cys236Gly; replaces cysteine 236 with glycine.
Molecular consequence: missense variant.
Genome position (GRCh38, 1-based): chr22:20,990,440, T>G. VCF-style: chr22-20990440-T-G. GRCh37 (hg19) VCF-style: chr22-21344729-T-G.
Other names: c.706T>G (NM_006767.3); short protein forms C236G.
Identifiers: ClinVar variation 2752217 (VCV002752217.4), dbSNP rs1453525517, ClinGen allele CA410780524.
Genomic context (GRCh38, chr22:20,990,440, plus strand): 5'-CTGCAGGTGGCCCAGAGTGGCGAGATCCCCCCATCTTGCTGCAACTTCCCCGTGGCTGTG[T>G]GCCGGGACAAGATGTTTGTATTCTCTGGGCAAAGCGGAGCCAAAATAACCAACAACCTCT-3'
Protein context (NP_006758.2, residues 226-246): PSCCNFPVAV[Cys236Gly]RDKMFVFSGQ

ClinVar aggregate classification (germline): Uncertain significance. Review status: criteria provided, multiple submitters, no conflicts (2 of 4 stars). 2 submissions from 2 submitters: Uncertain significance (2). Last evaluated 2025-06-27.

Conditions:
Hereditary cancer-predisposing syndrome. Also called: Neoplastic Syndromes, Hereditary; Hereditary Cancer Syndrome; Tumor predisposition; Hereditary neoplastic syndrome. Identifiers: Orphanet 140162, MedGen C0027672, MeSH D009386, MONDO:0015356.
Cardiovascular phenotype. Identifiers: MedGen CN230736.

Allele frequency attached by ClinVar (database versions not stated): gnomAD 0.00001.
gnomAD v4.1: 1 of 1,613,994 alleles (0.000062%); highest among the groups gnomAD compares: Non-Finnish European, 0.000085%; no homozygotes.

Submissions (2):

Labcorp Genetics (formerly Invitae), Labcorp
Classification: Uncertain significance. Last evaluated: 2025-06-27. Review status: criteria provided, single submitter. Criteria: Invitae Variant Classification Sherloc (09022015). Collection method: clinical testing. Allele origin: germline.
Comment: This sequence change replaces cysteine, which is neutral and slightly polar, with glycine, which is neutral and non-polar, at codon 236 of the LZTR1 protein (p.Cys236Gly). This variant is not present in population databases (gnomAD no frequency). This variant has not been reported in the literature in individuals affected with LZTR1-related conditions. ClinVar contains an entry for this variant (Variation ID: 2752217). Invitae Evidence Modeling of protein sequence and biophysical properties (such as structural, functional, and spatial information, amino acid conservation, physicochemical variation, residue mobility, and thermodynamic stability) indicates that this missense variant is not expected to disrupt LZTR1 protein function with a negative predictive value of 80%. In summary, the available evidence is currently insufficient to determine the role of this variant in disease. Therefore, it has been classified as a Variant of Uncertain Significance.

Ambry Genetics
Classification: Uncertain significance for Cardiovascular phenotype; Hereditary cancer-predisposing syndrome. Last evaluated: 2025-04-30. Review status: criteria provided, single submitter. Criteria: Ambry Variant Classification Scheme 2023. Collection method: clinical testing. Allele origin: germline.
Comment: The p.C236G variant (also known as c.706T>G), located in coding exon 8 of the LZTR1 gene, results from a T to G substitution at nucleotide position 706. The cysteine at codon 236 is replaced by glycine, an amino acid with highly dissimilar properties. This amino acid position is conserved. In addition, this alteration is predicted to be deleterious by in silico analysis. Based on the available evidence, the clinical significance of this variant remains unclear.